The following is an entry in ClinVar:

NM_001163435.3(TBCK):c.1122G>T (p.Ser374=)

Gene: TBCK (TBC1 domain containing kinase; minus strand). Cytogenetic location: 4q24.
Variant type: single nucleotide variant.
Coding change: c.1122G>T on transcript NM_001163435.3 (MANE Select); coding-DNA position 1122, G replaced by T.
Protein change: p.Ser374=; no amino-acid change (serine 374 retained).
Molecular consequence: synonymous variant.
Genome position (GRCh38, 1-based): chr4:106,242,518, C>A on the plus strand (G>T on the coding strand, the complement: TBCK is on the minus strand). VCF-style: chr4-106242518-C-A. GRCh37 (hg19) VCF-style: chr4-107163675-C-A.
Other names: c.1122G>T, p.Ser374= (NM_001163436.4); c.1005G>T, p.Ser335= (NM_001163437.3); c.606G>T, p.Ser202= (NM_001290768.2); c.933G>T, p.Ser311= (NM_033115.5).
Identifiers: ClinVar variation 2042016 (VCV002042016.29), dbSNP rs150059338, ClinGen allele CA3035186.
Genomic context (GRCh38, chr4:106,242,518, plus strand): 5'-TATCTTTCTTACATTTCTTAGCTGGCATAACGACAATGTCACAGTGGTATCATCTAAAAG[C>A]GAGCTTCTATCTCGACCTTGTCCAAAGCTTTCACCATCCTCAAAGAGAAAACTGAAAAGA-3'
Protein context (NP_001156907.2, residues 364-384): ESFGQGRDRS[Ser374=]LLDDTTVTLS

ClinVar aggregate classification (germline): Likely benign. Review status: criteria provided, multiple submitters, no conflicts (2 of 4 stars). 3 submissions from 3 submitters: Likely benign (3). Last evaluated 2025-08-02.

Allele frequency attached by ClinVar (database versions not stated): ESP Exome Variant Server 0.00008.
gnomAD v4.1: 242 of 1,608,916 alleles (0.015%); highest among the groups gnomAD compares: Non-Finnish European, 0.016%; no homozygotes.

Submissions (3):

Labcorp Genetics (formerly Invitae), Labcorp
Classification: Likely benign. Last evaluated: 2025-08-02. Review status: criteria provided, single submitter. Criteria: Invitae Variant Classification Sherloc (09022015). Collection method: clinical testing. Allele origin: germline.

Blueprint Genetics
Classification: Likely benign. Last evaluated: 2024-07-19. Review status: criteria provided, single submitter. Criteria: ACMG Guidelines, 2015. Collection method: clinical testing. Allele origin: germline.

CeGaT Center for Human Genetics Tuebingen
Classification: Likely benign. Last evaluated: 2022-05-01. Review status: criteria provided, single submitter. Criteria: CeGaT Center For Human Genetics Tuebingen Variant Classification Criteria Version 2. Collection method: clinical testing. Allele origin: germline. Affected: yes. Observed: 1 variant allele.
Comment: TBCK: BP4, BP7